The following is an entry in ClinVar:

ClinVar aggregate classification (germline): Likely pathogenic (1 of 4 stars; one submission).

Conditions:
Tay-Sachs disease (TSD). Also called: HEXA DEFICIENCY; HEXA Disorders; GM2 gangliosidosis, type 1; Hexosaminidase alpha-subunit deficiency (variant B); Sphingolipidosis, Tay-Sachs; Hexosaminidase A Deficiency. Identifiers: Orphanet 845, MedGen C0039373, MONDO:0010100, OMIM 272800.

Submission:

Natera, Inc.
Classification: Likely pathogenic for Tay-Sachs disease. Last evaluated: 2024-12-01. Review status: criteria provided, single submitter. Criteria: Natera Variant Classification Schema (03/2026). Collection method: clinical testing. Allele origin: germline.
Comment: The c.722_732dup variant in HEXA is a frameshift variant predicted to shift the reading frame beginning at codon 245 and leads to a stop codon 34 codons downstream. This variant is expected to result in nonsense mediated decay, truncation, or a dysfunctional protein product. This variant is rare in the general population with a frequency below the threshold expected for the associated phenotype(s). Given the available evidence, this variant is classified as Likely Pathogenic.

NM_000520.6(HEXA):c.722_732dup (p.Tyr245fs)

Gene: HEXA (hexosaminidase subunit alpha; minus strand). Cytogenetic location: 15q23.
Variant type: Duplication.
Coding change: c.722_732dup on transcript NM_000520.6 (MANE Select); coding-DNA positions 722 to 732, 11 bases duplicated (AGGTCATTGAA).
Protein change: p.Tyr245fs; shifts the reading frame from tyrosine 245.
Molecular consequence: frameshift variant. On other transcripts: non-coding transcript variant (1).
Genome position (GRCh38, 1-based): chr15:72,350,591-72,350,601, TTCAATGACCT duplicated on the plus strand (AGGTCATTGAA on the coding strand, the reverse complement: HEXA is on the minus strand). VCF-style (leftmost placement, unchanged base first): chr15-72350590-A-ATTCAATGACCT. GRCh37 (hg19) VCF-style: chr15-72642931-A-ATTCAATGACCT.
Other names: c.755_765dup, p.Tyr256fs (NM_001318825.2); short protein forms Y245fs, Y256fs.
Identifiers: ClinVar variation 4814272 (VCV004814272.1).